The following is an entry in ClinVar:

ClinVar aggregate classification (germline): Uncertain significance (1 of 4 stars; one submission).

Submission:

Ambry Genetics
Classification: Uncertain significance. Last evaluated: 2022-09-20. Review status: criteria provided, single submitter. Criteria: Ambry Variant Classification Scheme 2023. Collection method: clinical testing. Allele origin: germline.
Comment: The p.V144I variant (also known as c.430G>A), located in coding exon 6 of the RAD54L gene, results from a G to A substitution at nucleotide position 430. The valine at codon 144 is replaced by isoleucine, an amino acid with highly similar properties. This amino acid position is conserved. In addition, the in silico prediction for this alteration is inconclusive. Since supporting evidence is limited at this time, the clinical significance of this alteration remains unclear.

NM_003579.4(RAD54L):c.430G>A (p.Val144Ile)

Gene: RAD54L (RAD54 like; plus strand). Cytogenetic location: 1p34.1.
Variant type: single nucleotide variant.
Coding change: c.430G>A on transcript NM_003579.4 (MANE Select); coding-DNA position 430, G replaced by A.
Protein change: p.Val144Ile; replaces valine 144 with isoleucine.
Molecular consequence: missense variant. On other transcripts: 5 prime UTR variant (1).
Genome position (GRCh38, 1-based): chr1:46,260,564, G>A. VCF-style: chr1-46260564-G-A. GRCh37 (hg19) VCF-style: chr1-46726236-G-A.
Other names: c.430G>A, p.Val144Ile (NM_001142548.2); c.-111G>A (NM_001370766.1); short protein forms V144I.
Identifiers: ClinVar variation 1739618 (VCV001739618.2), dbSNP rs1557701483, ClinGen allele CA340184780.